The following is an entry in ClinVar:

NM_004714.3(DYRK1B):c.1799G>T (p.Arg600Leu)

Gene: DYRK1B (dual specificity tyrosine phosphorylation regulated kinase 1B; minus strand). Cytogenetic location: 19q13.2.
Variant type: single nucleotide variant.
Coding change: c.1799G>T on transcript NM_004714.3 (MANE Select); coding-DNA position 1799, G replaced by T.
Protein change: p.Arg600Leu; replaces arginine 600 with leucine.
Molecular consequence: missense variant.
Genome position (GRCh38, 1-based): chr19:39,825,806, C>A on the plus strand (G>T on the coding strand, the complement: DYRK1B is on the minus strand). VCF-style: chr19-39825806-C-A. GRCh37 (hg19) VCF-style: chr19-40316446-C-A.
Other names: c.1679G>T, p.Arg560Leu (NM_006483.3); c.1715G>T, p.Arg572Leu (NM_006484.3); short protein forms R560L, R572L, R600L.
Identifiers: ClinVar variation 4994667 (VCV004994667.1).

ClinVar aggregate classification (germline): Uncertain significance (1 of 4 stars; one submission).

Conditions:
DYRK1B-related disorder. Also called: DYRK1B-related condition.

Submission:

PreventionGenetics, part of Exact Sciences
Classification: Uncertain significance for DYRK1B-related condition. Last evaluated: 2025-09-02. Review status: criteria provided, single submitter. Criteria: ACMG Guidelines, 2015. Collection method: clinical testing. Allele origin: germline.
Comment: The DYRK1B c.1799G>T variant is predicted to result in the amino acid substitution p.Arg600Leu. To our knowledge, this variant has not been reported in the literature or in a large population database (gnomAD), indicating this variant is rare. At this time, the clinical significance of this variant is uncertain due to the absence of conclusive functional and genetic evidence.